The following is an entry in ClinVar:

NM_001626.6(AKT2):c.401A>C (p.Glu134Ala)

Gene: AKT2 (AKT serine/threonine kinase 2; minus strand). Cytogenetic location: 19q13.2.
Variant type: single nucleotide variant.
Coding change: c.401A>C on transcript NM_001626.6 (MANE Select); coding-DNA position 401, A replaced by C.
Protein change: p.Glu134Ala; replaces glutamic acid 134 with alanine.
Molecular consequence: missense variant.
Genome position (GRCh38, 1-based): chr19:40,242,574, T>G on the plus strand (A>C on the coding strand, the complement: AKT2 is on the minus strand). VCF-style: chr19-40242574-T-G. GRCh37 (hg19) VCF-style: chr19-40748481-T-G.
Other names: c.215A>C, p.Glu72Ala (NM_001243027.3, NM_001243028.3); c.401A>C, p.Glu134Ala (NM_001330511.1); short protein forms E134A, E72A.
Identifiers: ClinVar variation 2218918 (VCV002218918.6), dbSNP rs1028818887, ClinGen allele CA308381646.

ClinVar aggregate classification (germline): Uncertain significance. Review status: criteria provided, multiple submitters, no conflicts (2 of 4 stars). 3 submissions from 3 submitters: Uncertain significance (3). Last evaluated 2025-06-10.

Conditions:
Type 2 diabetes mellitus. Also called: Type II diabetes mellitus. Identifiers: MedGen C0011860, MeSH D003924, MONDO:0005148, OMIM 125853, HP:0005978.
Hypoinsulinemic hypoglycemia and body hemihypertrophy. Also called: Hypoinsulinemic hypoglycemia and hemihypertrophy. Identifiers: Orphanet 293964, MedGen C3278384, MONDO:0009416, OMIM 240900.
Inborn genetic diseases. Identifiers: MedGen C0950123, MeSH D030342.

Allele frequency attached by ClinVar (database versions not stated): gnomAD exomes 0.00001; gnomAD 0.00007.
gnomAD v4.1: 31 of 1,613,778 alleles (0.0019%); highest among the groups gnomAD compares: African/African-American, 0.039%; no homozygotes.

Submissions (3):

Women's Health and Genetics/Laboratory Corporation of America, LabCorp
Classification: Uncertain significance. Last evaluated: 2025-06-10. Review status: criteria provided, single submitter. Criteria: LabCorp Variant Classification Summary - May 2015. Collection method: clinical testing. Allele origin: germline.
Comment: Variant summary: AKT2 c.401A>C (p.Glu134Ala) results in a non-conservative amino acid change in the encoded protein sequence. Algorithms developed to predict the effect of missense changes on protein structure and function are either unavailable or do not agree on the potential impact of this missense change. The variant was absent in 250694 control chromosomes. The available data on variant occurrences in the general population are insufficient to allow any conclusion about variant significance. To our knowledge, no occurrence of c.401A>C in individuals affected with AKT2-Related Disorders and no experimental evidence demonstrating its impact on protein function have been reported. ClinVar contains an entry for this variant (Variation ID: 2218918). Based on the evidence outlined above, the variant was classified as uncertain significance.

Labcorp Genetics (formerly Invitae), Labcorp
Classification: Uncertain significance for Hypoinsulinemic hypoglycemia and body hemihypertrophy; Type 2 diabetes mellitus. Last evaluated: 2023-12-16. Review status: criteria provided, single submitter. Criteria: Invitae Variant Classification Sherloc (09022015). Collection method: clinical testing. Allele origin: germline.
Comment: This sequence change replaces glutamic acid, which is acidic and polar, with alanine, which is neutral and non-polar, at codon 134 of the AKT2 protein (p.Glu134Ala). This variant is present in population databases (no rsID available, gnomAD 0.05%). This variant has not been reported in the literature in individuals affected with AKT2-related conditions. ClinVar contains an entry for this variant (Variation ID: 2218918). An algorithm developed to predict the effect of missense changes on protein structure and function (PolyPhen-2) suggests that this variant is likely to be tolerated. In summary, the available evidence is currently insufficient to determine the role of this variant in disease. Therefore, it has been classified as a Variant of Uncertain Significance.

Ambry Genetics
Classification: Uncertain significance for Inborn genetic diseases. Last evaluated: 2021-09-01. Review status: criteria provided, single submitter. Criteria: Ambry Variant Classification Scheme 2023. Collection method: clinical testing. Allele origin: germline.